The following is an entry in ClinVar:

ClinVar aggregate classification (germline): Uncertain significance (1 of 4 stars; one submission).

Allele frequency attached by ClinVar (database versions not stated): gnomAD 0.00002; gnomAD exomes 0.00002 and 0.00003; TOPMed 0.00002.
gnomAD v4.1: 48 of 1,613,604 alleles (0.003%); highest among the groups gnomAD compares: Non-Finnish European, 0.0038%; no homozygotes.

Submission:

Labcorp Genetics (formerly Invitae), Labcorp
Classification: Uncertain significance. Last evaluated: 2024-10-24. Review status: criteria provided, single submitter. Criteria: Invitae Variant Classification Sherloc (09022015). Collection method: clinical testing. Allele origin: germline.
Comment: This sequence change replaces threonine, which is neutral and polar, with isoleucine, which is neutral and non-polar, at codon 5248 of the HMCN1 protein (p.Thr5248Ile). This variant is present in population databases (rs199563247, gnomAD 0.004%). This variant has not been reported in the literature in individuals affected with HMCN1-related conditions. ClinVar contains an entry for this variant (Variation ID: 1408838). An algorithm developed to predict the effect of missense changes on protein structure and function (PolyPhen-2) suggests that this variant is likely to be disruptive. In summary, the available evidence is currently insufficient to determine the role of this variant in disease. Therefore, it has been classified as a Variant of Uncertain Significance.

NM_031935.3(HMCN1):c.15743C>T (p.Thr5248Ile)

Gene: HMCN1 (hemicentin 1; plus strand). Cytogenetic location: 1q31.1.
Variant type: single nucleotide variant.
Coding change: c.15743C>T on transcript NM_031935.3 (MANE Select); coding-DNA position 15743, C replaced by T.
Protein change: p.Thr5248Ile; replaces threonine 5248 with isoleucine.
Molecular consequence: missense variant.
Genome position (GRCh38, 1-based): chr1:186,172,060, C>T. VCF-style: chr1-186172060-C-T. GRCh37 (hg19) VCF-style: chr1-186141192-C-T.
Other names: short protein forms T5248I.
Identifiers: ClinVar variation 1408838 (VCV001408838.6), dbSNP rs199563247, ClinGen allele CA33502300.